The following is an entry in ClinVar:

ClinVar aggregate classification (germline): Pathogenic. Review status: criteria provided, single submitter (1 of 4 stars). 2 submissions from 2 submitters: Pathogenic (1). 1 of the submissions does not count toward it. Last evaluated 2018-08-13.

Conditions:
TJP2-related disorder. Also called: TJP2-related condition.

Allele frequency attached by ClinVar (database versions not stated): gnomAD exomes below 0.00001; TOPMed below 0.00001; ExAC 0.00001.
gnomAD v4.1: 7 of 1,613,816 alleles (0.00043%); highest among the groups gnomAD compares: East Asian, 0.0022%; no homozygotes.

Submissions (2):

Eurofins Ntd Llc (ga)
Classification: Pathogenic. Last evaluated: 2018-08-13. Review status: criteria provided, single submitter. Criteria: EGL ClinVar v180209 classification definitions. Collection method: clinical testing. Allele origin: germline. Observed: 1 variant allele, 1 homozygote.

PreventionGenetics, part of Exact Sciences
Classification: Likely pathogenic for TJP2-related condition. Last evaluated: 2024-02-16. Review status: no assertion criteria provided. Collection method: clinical testing. Allele origin: germline. Not counted in ClinVar's aggregate classification.
Comment: The TJP2 c.2509C>T variant is predicted to result in premature protein termination (p.Arg837*). This variant has been reported in the homozygous state in an individual presenting with progressive familial intrahepatic cholestasis with a concomitant cytomegalovirus infection (Swed-Tobia et al. 2021. PubMed ID: 34023521). This variant is reported in 0.00088% of alleles in individuals of European (Non-Finnish) descent in gnomAD. Nonsense variants in TJP2 are expected to be pathogenic. This variant is interpreted as likely pathogenic.

NM_004817.4(TJP2):c.2509C>T (p.Arg837Ter)

Gene: TJP2 (tight junction protein 2; plus strand). Cytogenetic location: 9q21.11.
Variant type: single nucleotide variant.
Coding change: c.2509C>T on transcript NM_004817.4 (MANE Select); coding-DNA position 2509, C replaced by T.
Protein change: p.Arg837Ter; replaces arginine 837 with a stop codon.
Molecular consequence: nonsense.
Genome position (GRCh38, 1-based): chr9:69,240,090, C>T. VCF-style: chr9-69240090-C-T. GRCh37 (hg19) VCF-style: chr9-71855006-C-T.
Other names: c.2509C>T, p.Arg837Ter (LRG_1201t1, NM_001369872.1, NM_001369873.1 and 1 more transcripts); c.2440C>T, p.Arg814Ter (NM_001170414.2, NM_001369871.1); c.2521C>T, p.Arg841Ter (NM_001170415.1, NM_001369874.1, NM_001369875.1); c.2602C>T, p.Arg868Ter (NM_001170416.2); c.2434C>T, p.Arg812Ter (NM_001369870.1); c.2509C>T (NM_004817.3); short protein forms R837*, R868*, R841*, R812*, R814*.
Identifiers: ClinVar variation 598358 (VCV000598358.7), dbSNP rs746830415, ClinGen allele CA5073683.